The following is an entry in ClinVar:

ClinVar aggregate classification (germline): Uncertain significance (1 of 4 stars; one submission).

Conditions:
Familial intrahepatic cholestasis. Identifiers: Orphanet 284385, MedGen CN296401, MONDO:0017290.

gnomAD v4.1: 1 of 1,614,242 alleles (0.000062%); highest among the groups gnomAD compares: Non-Finnish European, 0.000085%; no homozygotes.

Submission:

Genomenon, Inc
Classification: Uncertain significance for Familial intrahepatic cholestasis. Last evaluated: 2026-04-14. Review status: criteria provided, single submitter. Criteria: Genomenon Sequence Variant Interpretation Standards - Updated. Collection method: curation. Allele origin: germline. Affected: yes.
Comment: ABCB4 p.Gly1072Cys (c.3214G>T) is a missense variant that changes the amino acid at residue 1072 from Glycine to Cysteine. This variant has been observed in at least one proband with an ABCB4-related disorder (PMID:32893960). It is absent or not present at a significant frequency in gnomAD. In silico models predict that this variant is possibly or probably damaging. In conclusion, we classify ABCB4 p.Gly1072Cys (c.3214G>T) as a variant of uncertain significance.

Literature cited by the submitters: PubMed 32893960.

NM_000443.4(ABCB4):c.3214G>T (p.Gly1072Cys)

Gene: ABCB4 (ATP binding cassette subfamily B member 4; minus strand). Cytogenetic location: 7q21.12.
Variant type: single nucleotide variant.
Coding change: c.3214G>T on transcript NM_000443.4 (MANE Select); coding-DNA position 3214, G replaced by T.
Protein change: p.Gly1072Cys; replaces glycine 1072 with cysteine.
Molecular consequence: missense variant.
Genome position (GRCh38, 1-based): chr7:87,408,102, C>A on the plus strand (G>T on the coding strand, the complement: ABCB4 is on the minus strand). VCF-style: chr7-87408102-C-A. GRCh37 (hg19) VCF-style: chr7-87037418-C-A.
Other names: c.3214G>T, p.Gly1072Cys (NM_018849.3); c.3073G>T, p.Gly1025Cys (NM_018850.3); short protein forms G1025C, G1072C.
Identifiers: ClinVar variation 4846455 (VCV004846455.1).